The following is an entry in ClinVar:

NM_003907.3(EIF2B5):c.765G>T (p.Gln255His)

Gene: EIF2B5 (eukaryotic translation initiation factor 2B subunit epsilon; plus strand). Cytogenetic location: 3q27.1.
Variant type: single nucleotide variant.
Coding change: c.765G>T on transcript NM_003907.3 (MANE Select); coding-DNA position 765, G replaced by T.
Protein change: p.Gln255His; replaces glutamine 255 with histidine.
Molecular consequence: missense variant.
Genome position (GRCh38, 1-based): chr3:184,138,246, G>T. VCF-style: chr3-184138246-G-T. GRCh37 (hg19) VCF-style: chr3-183856034-G-T.
Other names: short protein forms Q255H.
Identifiers: ClinVar variation 2017081 (VCV002017081.4), dbSNP rs2473662035, ClinGen allele CA355383157.

ClinVar aggregate classification (germline): Uncertain significance (1 of 4 stars; one submission).

Submission:

Labcorp Genetics (formerly Invitae), Labcorp
Classification: Uncertain significance. Last evaluated: 2022-08-03. Review status: criteria provided, single submitter. Criteria: Invitae Variant Classification Sherloc (09022015). Collection method: clinical testing. Allele origin: germline.
Comment: In summary, the available evidence is currently insufficient to determine the role of this variant in disease. Therefore, it has been classified as a Variant of Uncertain Significance. Variants that disrupt the consensus splice site are a relatively common cause of aberrant splicing (PMID: 17576681, 9536098). Algorithms developed to predict the effect of sequence changes on RNA splicing suggest that this variant may disrupt the consensus splice site. Algorithms developed to predict the effect of missense changes on protein structure and function (SIFT, PolyPhen-2, Align-GVGD) all suggest that this variant is likely to be tolerated. This variant has not been reported in the literature in individuals affected with EIF2B5-related conditions. This variant is not present in population databases (gnomAD no frequency). This sequence change replaces glutamine, which is neutral and polar, with histidine, which is basic and polar, at codon 255 of the EIF2B5 protein (p.Gln255His). This variant also falls at the last nucleotide of exon 5, which is part of the consensus splice site for this exon.

Literature cited by the submitters: PubMed 17576681; PubMed 9536098.